The following is an entry in ClinVar:

NM_000543.5(SMPD1):c.151_154del (p.Asp51fs)

Gene: SMPD1 (sphingomyelin phosphodiesterase 1; plus strand). Cytogenetic location: 11p15.4.
Variant type: Deletion.
Coding change: c.151_154del on transcript NM_000543.5 (MANE Select); coding-DNA positions 151 to 154, 4 bases deleted (GACT; older notation c.151_154delGACT).
Protein change: p.Asp51fs; shifts the reading frame from aspartic acid 51.
Molecular consequence: frameshift variant. On other transcripts: 5 prime UTR variant (1), non-coding transcript variant (2).
Genome position (GRCh38, 1-based): chr11:6,390,749-6,390,752, GACT deleted; deleting any 4 consecutive bases within chr11:6,390,747-6,390,752 gives the same sequence; the c. name uses the placement nearest the transcript's 3' end. VCF-style (leftmost placement, unchanged base first): chr11-6390746-TCTGA-T. GRCh37 (hg19) VCF-style: chr11-6411976-TCTGA-T.
Other names: c.151_154del (NM_000543.4); c.151_154del, p.Asp51fs (NM_001007593.3, NM_001318087.2, NM_001365135.2); c.-811_-808del (NM_001318088.2); short protein forms D51fs.
Identifiers: ClinVar variation 371029 (VCV000371029.16), dbSNP rs1057516949, ClinGen allele CA16041473.

ClinVar aggregate classification (germline): Pathogenic/Likely pathogenic. Review status: criteria provided, multiple submitters, no conflicts (2 of 4 stars). 6 submissions from 6 submitters: Pathogenic (4); Likely pathogenic (1). 1 of the submissions does not count toward it. Last evaluated 2025-07-19.

Conditions:
Niemann-Pick disease, type B. Also called: Chronic Visceral ASMD (Niemann-Pick Disease Type B; NPD-B). Identifiers: Orphanet 77293, MedGen C0268243, MONDO:0011871, OMIM 607616. Disease mechanism: loss of function.
Niemann-Pick disease, type A. Also called: SPHINGOMYELIN LIPIDOSIS; SPHINGOMYELINASE DEFICIENCY; Infantile Neurovisceral ASMD (Niemann-Pick Disease Type A; NPD-A). Identifiers: Orphanet 77292, MedGen C0268242, MONDO:0009756, OMIM 257200. Disease mechanism: loss of function.

Submissions (6):

GeneDx
Classification: Pathogenic. Last evaluated: 2025-07-19. Review status: criteria provided, single submitter. Criteria: GeneDx Variant Classification Process June 2021. Collection method: clinical testing. Allele origin: germline. Affected: yes.
Comment: Not observed at significant frequency in large population cohorts (gnomAD); Frameshift variant predicted to result in protein truncation or nonsense mediated decay in a gene for which loss of function is a known mechanism of disease; This variant is associated with the following publications: (PMID: 24718843)

Natera, Inc.
Classification: Likely pathogenic for Niemann-Pick Disease, Types A/B. Last evaluated: 2025-03-06. Review status: criteria provided, single submitter. Criteria: Natera Variant Classification Schema (03/2026). Collection method: clinical testing. Allele origin: germline.
Comment: The c.151_154delGACT variant in SMPD1 is a frameshift variant predicted to shift the reading frame beginning at codon 51 and leads to a stop codon 25 codons downstream. This variant is expected to result in nonsense mediated decay, truncation, or a dysfunctional protein product. This variant is rare in the general population with a frequency below the threshold expected for the associated phenotype(s). Given the available evidence, this variant is classified as Likely Pathogenic.

Labcorp Genetics (formerly Invitae), Labcorp
Classification: Pathogenic for Niemann-Pick disease, type B; Niemann-Pick disease, type A. Last evaluated: 2024-02-01. Review status: criteria provided, single submitter. Criteria: Invitae Variant Classification Sherloc (09022015). Collection method: clinical testing. Allele origin: germline.
Comment: This sequence change creates a premature translational stop signal (p.Asp51Leufs*25) in the SMPD1 gene. It is expected to result in an absent or disrupted protein product. Loss-of-function variants in SMPD1 are known to be pathogenic (PMID: 12369017, 15221801). This variant is present in population databases (no rsID available, gnomAD 0.007%). This premature translational stop signal has been observed in individual(s) with acid sphingomyelinase-deficient Niemann-Pick disease (PMID: 24718843). ClinVar contains an entry for this variant (Variation ID: 371029). For these reasons, this variant has been classified as Pathogenic.

Baylor Genetics
Classification: Pathogenic for Niemann-Pick disease, type A. Last evaluated: 2023-09-07. Review status: criteria provided, single submitter. Criteria: ACMG Guidelines, 2015. Collection method: clinical testing. Allele origin: unknown.

Broad Center for Mendelian Genomics, Broad Institute of MIT and Harvard
Classification: Pathogenic for Niemann-Pick disease, type A. Last evaluated: 2020-01-22. Review status: criteria provided, single submitter. Criteria: ACMG Guidelines, 2015. Collection method: curation. Allele origin: germline. Inheritance: Autosomal recessive inheritance.
Comment: Although this variant has been seen in the general population, its frequency is low enough to be consistent with a recessive carrier frequency. This variant has also been reported in ClinVar (VariationID: 371029) as likely pathogenic by Counsyl. This variant is predicted to cause a frameshift, which alters the protein's amino acid sequence beginning at position 51 and leads to a premature termination codon 25 amino acids downstream. This alteration is then predicted to lead to a truncated or absent protein. Loss of function of the SMPD1 gene is an established disease mechanism in autosomal recessive Niemann-Pick disease. The phenotype of an individual compound heterozygous for this variant is highly specific for Niemann-Pick disease based on acid sphingomyelinase activity being <10% of normal, consistent with disease (PMID: 24718843). In summary, this variant meets criteria to be classified as pathogenic for Niemann-Pick disease in an autosomal recessive manner based on the prediction that it will cause loss of function, the phenotype of an individual with the variant being highly specific for disease, and the low frequency of the variant in the general population. ACMG/AMP Criteria applied: PVS1, PM2, PP4 (Richards 2015).

Counsyl
Classification: Likely pathogenic for Niemann-Pick disease, type A. Last evaluated: 2016-06-08. Review status: no assertion criteria provided. Collection method: clinical testing. Allele origin: unknown. Not counted in ClinVar's aggregate classification.

Literature cited by the submitters: PubMed 12369017 (cited by Labcorp Genetics (formerly Invitae), Labcorp); PubMed 15221801 (cited by Labcorp Genetics (formerly Invitae), Labcorp); PubMed 24718843 (cited by 3 submitters).